The following is an entry in ClinVar:

ClinVar aggregate classification (germline): Conflicting classifications of pathogenicity. Review status: criteria provided, conflicting classifications (1 of 4 stars). 9 submissions from 9 submitters: Uncertain significance (6); Likely benign (1). 2 of the submissions do not count toward it. Last evaluated 2026-01-28.

Conditions:
Alport syndrome. Also called: Hemorrhagic familial nephritis; Hemorrhagic hereditary nephritis; Congenital hereditary hematuria. Identifiers: Orphanet 63, MedGen C1567741, MONDO:0018965.
Autosomal dominant Alport syndrome (ATS3A). Also called: Alport syndrome dominant type; Renal failure and sensorineural hearing loss; ALPORT SYNDROME 3A, AUTOSOMAL DOMINANT. Identifiers: Orphanet 63, Orphanet 88918, MedGen C5882663, MONDO:0007086, OMIM 104200.
Autosomal recessive Alport syndrome (ATS2). Also called: COL4A4 Alport Syndrome and Thin Basement Membrane Nephropathy; ALPORT SYNDROME 2, AUTOSOMAL RECESSIVE; Alport syndrome type 2; COL4A3-Related Nephropathy. Identifiers: Orphanet 63, Orphanet 88919, MedGen C4746745, MONDO:0008762, OMIM 203780.
Benign familial hematuria. Also called: thin basement membrane disease. Identifiers: MedGen C0241908, MONDO:0957317.

Allele frequency attached by ClinVar (database versions not stated): gnomAD 0.00014 and 0.00013; ESP Exome Variant Server 0.00016; TOPMed 0.00015; gnomAD exomes 0.00026 and 0.00012; ExAC 0.00020.
gnomAD v4.1: 396 of 1,614,074 alleles (0.025%); highest among the groups gnomAD compares: Non-Finnish European, 0.031%; no homozygotes.

Submissions (9):

Labcorp Genetics (formerly Invitae), Labcorp
Classification: Likely benign. Last evaluated: 2026-01-28. Review status: criteria provided, single submitter. Criteria: Invitae Variant Classification Sherloc (09022015). Collection method: clinical testing. Allele origin: germline.

GeneDx
Classification: Uncertain significance. Last evaluated: 2025-09-02. Review status: criteria provided, single submitter. Criteria: GeneDx Variant Classification Process June 2021. Collection method: clinical testing. Allele origin: germline. Affected: yes.
Comment: In silico analysis supports that this missense variant has a deleterious effect on protein structure/function; Has not been previously published as pathogenic or benign in association with COL4A4-related disorders to our knowledge; This variant is associated with the following publications: (PMID: 29924831, 39810285)

Blueprint Genetics
Classification: Uncertain significance. Last evaluated: 2023-09-18. Review status: criteria provided, single submitter. Criteria: ACMG Guidelines, 2015. Collection method: clinical testing. Allele origin: germline.

Mayo Clinic Laboratories, Mayo Clinic
Classification: Uncertain significance. Last evaluated: 2022-11-15. Review status: criteria provided, single submitter. Criteria: ACMG Guidelines, 2015. Collection method: clinical testing. Allele origin: germline. Observed: 1 variant allele.
Comment: PM2_supporting

Fulgent Genetics
Classification: Uncertain significance for Hematuria, benign familial, 1; Autosomal recessive Alport syndrome. Last evaluated: 2022-04-19. Review status: criteria provided, single submitter. Criteria: ACMG Guidelines, 2015. Collection method: clinical testing. Allele origin: unknown.

Laboratory for Molecular Medicine, Mass General Brigham Personalized Medicine
Classification: Uncertain significance. Last evaluated: 2018-04-04. Review status: criteria provided, single submitter. Criteria: LMM Criteria. Collection method: clinical testing. Allele origin: germline. Observed: 1 variant allele.
Comment: The p.Phe1661Tyr variant in COL4A4 has not been previously reported in individua ls with hearing loss, but has been identified in 34/126716 European chromosomes by the Genome Aggregation Database (gnomAD; db SNP rs374119389). Although this variant has been seen in the general population, its frequency is not high enough to rule out a pathogenic role. Computational p rediction tools and conservation analysis do not provide strong support for or a gainst an impact to the protein. In summary, the clinical significance of the p. Phe1661Tyr variant is uncertain. ACMG/AMP Criteria applied: None.

Illumina Laboratory Services, Illumina
Classification: Uncertain significance for Alport syndrome. Last evaluated: 2018-01-13. Review status: criteria provided, single submitter. Criteria: ICSL Variant Classification Criteria 13 December 2019. Collection method: clinical testing. Allele origin: germline.

Natera, Inc.
Classification: Uncertain significance for Alport syndrome. Last evaluated: 2020-02-27. Review status: no assertion criteria provided. Collection method: clinical testing. Allele origin: germline. Not counted in ClinVar's aggregate classification.

Bioscientia Institut fuer Medizinische Diagnostik GmbH, Sonic Healthcare
Classification: Uncertain significance for Autosomal dominant Alport syndrome. Last evaluated: 2018-08-16. Review status: no assertion criteria provided. Collection method: clinical testing. Allele origin: germline. Affected: yes. Not counted in ClinVar's aggregate classification.

Literature cited by the submitters: PubMed 29924831 (cited by Mayo Clinic Laboratories, Mayo Clinic).

NM_000092.5(COL4A4):c.4982T>A (p.Phe1661Tyr)

Gene: COL4A4 (collagen type IV alpha 4 chain; minus strand). Cytogenetic location: 2q36.3.
Variant type: single nucleotide variant.
Coding change: c.4982T>A on transcript NM_000092.5 (MANE Select); coding-DNA position 4982, T replaced by A.
Protein change: p.Phe1661Tyr; replaces phenylalanine 1661 with tyrosine.
Molecular consequence: missense variant.
Genome position (GRCh38, 1-based): chr2:227,007,416, A>T on the plus strand (T>A on the coding strand, the complement: COL4A4 is on the minus strand). VCF-style: chr2-227007416-A-T. GRCh37 (hg19) VCF-style: chr2-227872132-A-T.
Other names: short protein forms F1661Y.
Identifiers: ClinVar variation 599159 (VCV000599159.23), dbSNP rs374119389, ClinGen allele CA2144003.